The following is an entry in ClinVar:

NM_198428.3(BBS9):c.1646C>T (p.Thr549Ile)

Gene: BBS9 (Bardet-Biedl syndrome 9; plus strand). Cytogenetic location: 7p14.3.
Variant type: single nucleotide variant.
Coding change: c.1646C>T on transcript NM_198428.3 (MANE Select); coding-DNA position 1646, C replaced by T.
Protein change: p.Thr549Ile; replaces threonine 549 with isoleucine.
Molecular consequence: missense variant. On other transcripts: non-coding transcript variant (3).
Genome position (GRCh38, 1-based): chr7:33,357,948, C>T. VCF-style: chr7-33357948-C-T. GRCh37 (hg19) VCF-style: chr7-33397560-C-T.
Other names: c.1541C>T, p.Thr514Ile (NM_001033604.2); c.1631C>T, p.Thr544Ile (NM_001033605.2); c.1646C>T, p.Thr549Ile (NM_001348036.1, NM_001348041.4, NM_001348043.3 and 1 more transcripts); c.1280C>T, p.Thr427Ile (NM_001348037.3, NM_001348045.3, NM_001348046.3); c.1373C>T, p.Thr458Ile (NM_001348038.3); c.1268C>T, p.Thr423Ile (NM_001348039.3); c.1526C>T, p.Thr509Ile (NM_001348040.3, NM_014451.4); c.1511C>T, p.Thr504Ile (NM_001348042.3); and 1 more; short protein forms T549I, T509I, T514I, T392I, T427I, T458I, T544I, T423I.
Identifiers: ClinVar variation 194684 (VCV000194684.45), dbSNP rs59252892, ClinGen allele CA201299.

ClinVar aggregate classification (germline): Benign/Likely benign. Review status: criteria provided, multiple submitters, no conflicts (2 of 4 stars). 9 submissions from 9 submitters: Benign (7); Likely benign (2). Last evaluated 2026-07-01.

Conditions:
Bardet-Biedl syndrome (BBS). Identifiers: Orphanet 110, MedGen C0752166, MONDO:0015229.
Bardet-Biedl syndrome 9 (BBS9). Identifiers: Orphanet 110, MedGen C1859567, MONDO:0014437, OMIM 615986.

Allele frequency attached by ClinVar (database versions not stated): gnomAD 0.00918 and 0.00979; 1000 Genomes Project 30x 0.00984; ESP Exome Variant Server 0.01015; TOPMed 0.01036; 1000 Genomes Project 0.01038.
gnomAD v4.1: 2,724 of 1,612,574 alleles (0.17%); highest among the groups gnomAD compares: African/African-American, 3.2%; 42 homozygotes.

Submissions (9):

CeGaT Center for Human Genetics Tuebingen
Classification: Benign. Last evaluated: 2026-07-01. Review status: criteria provided, single submitter. Criteria: CeGaT Center For Human Genetics Tuebingen Variant Classification Criteria Version 2. Collection method: clinical testing. Allele origin: germline. Affected: yes. Observed: 5 variant alleles.
Comment: BBS9: BS1, BS2

Labcorp Genetics (formerly Invitae), Labcorp
Classification: Benign for Bardet-Biedl syndrome. Last evaluated: 2026-01-31. Review status: criteria provided, single submitter. Criteria: Invitae Variant Classification Sherloc (09022015). Collection method: clinical testing. Allele origin: germline.

Mayo Clinic Laboratories, Mayo Clinic
Classification: Benign. Last evaluated: 2024-10-01. Review status: criteria provided, single submitter. Criteria: ACMG Guidelines, 2015. Collection method: clinical testing. Allele origin: germline. Observed: 1 variant allele.
Comment: BS1, BS2

Women's Health and Genetics/Laboratory Corporation of America, LabCorp
Classification: Likely benign. Last evaluated: 2021-12-10. Review status: criteria provided, single submitter. Criteria: LabCorp Variant Classification Summary - May 2015. Collection method: clinical testing. Allele origin: germline.

Fulgent Genetics
Classification: Likely benign for Bardet-Biedl syndrome 9. Last evaluated: 2021-11-16. Review status: criteria provided, single submitter. Criteria: ACMG Guidelines, 2015. Collection method: clinical testing. Allele origin: unknown.

Illumina Laboratory Services, Illumina
Classification: Benign for Bardet-Biedl syndrome 9. Last evaluated: 2018-01-13. Review status: criteria provided, single submitter. Criteria: ICSL Variant Classification Criteria 13 December 2019. Collection method: clinical testing. Allele origin: germline.
Comment: This variant was observed in the ICSL laboratory as part of a predisposition screen in an ostensibly healthy population. It had not been previously curated by ICSL or reported in the Human Gene Mutation Database (HGMD: prior to June 1st, 2018), and was therefore a candidate for classification through an automated scoring system. Utilizing variant allele frequency, disease prevalence and penetrance estimates, and inheritance mode, an automated score was calculated to assess if this variant is too frequent to cause the disease. Based on the score and internal cut-off values, a variant classified as benign is not then subjected to further curation. The score for this variant resulted in a classification of benign for this disease.

Center for Pediatric Genomic Medicine, Children's Mercy Hospital and Clinics
Classification: Benign. Last evaluated: 2016-12-30. Review status: criteria provided, single submitter. Criteria: ACMG Guidelines, 2015. Collection method: clinical testing. Allele origin: germline.

Eurofins Ntd Llc (ga)
Classification: Benign. Last evaluated: 2015-06-02. Review status: criteria provided, single submitter. Criteria: EGL Classification Definitions 2015. Collection method: clinical testing. Allele origin: germline. Observed: 1 variant allele, 1 heterozygote.

PreventionGenetics, part of Exact Sciences
Classification: Benign. Review status: criteria provided, single submitter. Criteria: ACMG Guidelines, 2015. Collection method: clinical testing. Allele origin: germline.

Literature cited by the submitters: PubMed 20472660 (cited by Mayo Clinic Laboratories, Mayo Clinic).